The following is an entry in ClinVar:

NM_001363711.2(DUOX2):c.4081-3C>A

Gene: DUOX2 (dual oxidase 2; minus strand). Cytogenetic location: 15q21.1.
Variant type: single nucleotide variant.
Coding change: c.4081-3C>A on transcript NM_001363711.2 (MANE Select); 3 bases into the intron before coding-DNA position 4081, C replaced by A.
Molecular consequence: intron variant.
Genome position (GRCh38, 1-based): chr15:45,095,598, G>T on the plus strand (C>A on the coding strand, the complement: DUOX2 is on the minus strand). VCF-style: chr15-45095598-G-T. GRCh37 (hg19) VCF-style: chr15-45387796-G-T.
Other names: c.4081-3C>A (NM_014080.5).
Identifiers: ClinVar variation 1308935 (VCV001308935.2), dbSNP rs368206523, ClinGen allele CA7537625.

ClinVar aggregate classification (germline): Uncertain significance (1 of 4 stars; one submission).

Allele frequency attached by ClinVar (database versions not stated): gnomAD exomes below 0.00001 and 0.00001; ExAC 0.00001; ESP Exome Variant Server 0.00008.
gnomAD v4.1: 6 of 1,614,204 alleles (0.00037%); highest among the groups gnomAD compares: Non-Finnish European, 0.00051%; no homozygotes.

Submission:

GeneDx
Classification: Uncertain significance. Last evaluated: 2019-10-15. Review status: criteria provided, single submitter. Criteria: GeneDx Variant Classification Process June 2021. Collection method: clinical testing. Allele origin: germline. Affected: yes.
Comment: Has not been previously published as pathogenic or benign to our knowledge; In-silico analysis, which includes splice predictors and evolutionary conservation, is inconclusive as to whether the variant alters gene splicing. In the absence of RNA/functional studies, the actual effect of this sequence change is unknown.